The following is an entry in ClinVar:

ClinVar aggregate classification (germline): Pathogenic (1 of 4 stars; one submission).

Conditions:
Fabry disease. Also called: ALPHA-GALACTOSIDASE A DEFICIENCY; ANDERSON-FABRY DISEASE; CERAMIDE TRIHEXOSIDASE DEFICIENCY; GLA DEFICIENCY; HEREDITARY DYSTOPIC LIPIDOSIS; Angiokeratoma corporis diffusum. Identifiers: Orphanet 324, MedGen C0002986, MONDO:0010526, OMIM 301500, HP:0001071. Disease mechanism: Fabry disease is due to inactivating mutations in the X-linked GLA gene resulting in deficiency of the enzyme Alpha Galactosidase-A., loss of function.

Submission:

Genomenon, Inc
Classification: Pathogenic for Fabry disease. Last evaluated: 2026-09-08. Review status: criteria provided, single submitter. Criteria: Genomenon Sequence Variant Interpretation Standards - Updated. Collection method: curation. Allele origin: germline. Affected: yes.
Comment: GLA p.Asp55ThrfsTer66 (c.162del) is a frameshift variant that is predicted to introduce a premature termination codon and result in a truncated or absent protein product. This variant has been observed in at least one proband with clinical features consistent with Fabry disease (PMID:27265676). Functional or patient cell studies have been reported (PMID:28682471;22176145). It is absent or not present at a significant frequency in gnomAD. In conclusion, we classify GLA p.Asp55ThrfsTer66 (c.162del) as a pathogenic variant.

Literature cited by the submitters: PubMed 27265676; PubMed 28682471; PubMed 22176145.

NM_000169.3(GLA):c.162del (p.Asp55fs)

Genes: GLA (galactosidase alpha; minus strand), RPL36A-HNRNPH2 (RPL36A-HNRNPH2 readthrough; plus strand). Cytogenetic location: Xq22.1.
Variant type: Deletion.
Coding change: c.162del on transcript NM_000169.3 (MANE Select); coding-DNA position 162, one base deleted (T; older notation c.162delT).
Protein change: p.Asp55fs; shifts the reading frame from aspartic acid 55.
Molecular consequence: frameshift variant. On other transcripts: non-coding transcript variant (3), intron variant (2).
Genome position (GRCh38, 1-based): chrX:101,407,742, A deleted on the plus strand (T on the coding strand, the reverse complement: GLA is on the minus strand); the first of 2 consecutive A bases (chrX:101,407,742-101,407,743); deleting either gives the same sequence. VCF-style (leftmost placement, unchanged base first): chrX-101407741-CA-C. GRCh37 (hg19) VCF-style: chrX-100662729-CA-C.
Other names: c.162del, p.Asp55fs (NM_001406747.1, NM_001406748.1, NM_001406749.1); c.301-4193del (NM_001199973.2); c.178-4193del (NM_001199974.2); short protein forms D55fs.
Identifiers: ClinVar variation 4087267 (VCV004087267.2).